The following is an entry in ClinVar:

NM_001277115.2(DNAH11):c.1892C>G (p.Thr631Ser)

Gene: DNAH11 (dynein axonemal heavy chain 11; plus strand). Cytogenetic location: 7p15.3.
Variant type: single nucleotide variant.
Coding change: c.1892C>G on transcript NM_001277115.2 (MANE Select); coding-DNA position 1892, C replaced by G.
Protein change: p.Thr631Ser; replaces threonine 631 with serine.
Molecular consequence: missense variant.
Genome position (GRCh38, 1-based): chr7:21,588,555, C>G. VCF-style: chr7-21588555-C-G. GRCh37 (hg19) VCF-style: chr7-21628173-C-G.
Other names: c.1892C>G, p.Thr631Ser (NM_003777.3); short protein forms T631S.
Identifiers: ClinVar variation 1782094 (VCV001782094.2), dbSNP rs1392626156, ClinGen allele CA366939229.

ClinVar aggregate classification (germline): Uncertain significance (1 of 4 stars; one submission).

Conditions:
Primary ciliary dyskinesia. Also called: Ciliary dyskinesia. Identifiers: Orphanet 244, MedGen C0008780, MONDO:0016575, HP:0012265.

Allele frequency attached by ClinVar (database versions not stated): gnomAD 0.00001; TOPMed 0.00001.

Submission:

Ambry Genetics
Classification: Uncertain significance for Primary ciliary dyskinesia. Last evaluated: 2021-12-18. Review status: criteria provided, single submitter. Criteria: Ambry Variant Classification Scheme 2023. Collection method: clinical testing. Allele origin: germline.
Comment: The p.T631S variant (also known as c.1892C>G), located in coding exon 11 of the DNAH11 gene, results from a C to G substitution at nucleotide position 1892. The threonine at codon 631 is replaced by serine, an amino acid with similar properties. This amino acid position is conserved. In addition, this alteration is predicted to be tolerated by in silico analysis. Since supporting evidence is limited at this time, the clinical significance of this alteration remains unclear.